The following is an entry in ClinVar:

NM_058216.3(RAD51C):c.1118A>G (p.Glu373Gly)

Gene: RAD51C (RAD51 paralog C; plus strand). Cytogenetic location: 17q22.
Variant type: single nucleotide variant.
Coding change: c.1118A>G on transcript NM_058216.3 (MANE Select); coding-DNA position 1118, A replaced by G.
Protein change: p.Glu373Gly; replaces glutamic acid 373 with glycine.
Molecular consequence: missense variant. On other transcripts: non-coding transcript variant (1).
Genome position (GRCh38, 1-based): chr17:58,734,209, A>G. VCF-style: chr17-58734209-A-G. GRCh37 (hg19) VCF-style: chr17-56811570-A-G.
Other names: short protein forms E373G.
Identifiers: ClinVar variation 4756223 (VCV004756223.1).

ClinVar aggregate classification (germline): Uncertain significance (1 of 4 stars; one submission).

Conditions:
Hereditary cancer-predisposing syndrome. Also called: Tumor predisposition; Hereditary Cancer Syndrome; Neoplastic Syndromes, Hereditary; Hereditary neoplastic syndrome. Identifiers: Orphanet 140162, MedGen C0027672, MeSH D009386, MONDO:0015356.

Submission:

Color Diagnostics, LLC DBA Color Health
Classification: Uncertain significance for Hereditary cancer-predisposing syndrome. Last evaluated: 2025-09-01. Review status: criteria provided, single submitter. Criteria: ACMG Guidelines, 2015. Collection method: clinical testing. Allele origin: germline.
Comment: This missense variant replaces glutamic acid with glycine at codon 373 of the RAD51C protein. Computational prediction suggests that this variant may not impact protein structure and function. To our knowledge, functional studies have not been reported for this variant. This variant has not been reported in individuals affected with RAD51C-related disorders in the literature. This variant has not been identified in the general population by the Genome Aggregation Database (gnomAD). The available evidence is insufficient to determine the role of this variant in disease conclusively. Therefore, this variant is classified as a Variant of Uncertain Significance.